The following is an entry in ClinVar:

ClinVar aggregate classification (germline): Pathogenic (1 of 4 stars; one submission).

Conditions:
Renal cysts and diabetes syndrome (RCAD). Also called: Familial hypoplastic, glomerulocystic kidney; MATURITY-ONSET DIABETES OF THE YOUNG, TYPE 5. Identifiers: Orphanet 93111, MedGen C0431693, MONDO:0007669, OMIM 137920.

Submission:

Institute of Human Genetics, FAU Erlangen, Friedrich-Alexander-Universität Erlangen-Nürnberg
Classification: Pathogenic for Renal cysts and diabetes syndrome. Last evaluated: 2019-07-06. Review status: criteria provided, single submitter. Criteria: ACMG Guidelines, 2015. Collection method: literature only. Allele origin: germline. Affected: yes.
Comment: This variant and it's classification has been reported by Vasileiou et al. 2019; DOI:10.1101/576918. The variants has previously been reported in PMID:27234567 as "c.1138delG p.V380fs" with clinical significance Pathogenic. It has been re-classified using InterVar and manual curation as Pathogenic based on PVS1 PM2 PP3.

Literature cited by the submitters: PubMed 27234567; DOI 10.1101/576918.

NM_000458.4(HNF1B):c.1138del (p.Val380fs)

Gene: HNF1B (HNF1 homeobox B; minus strand). Cytogenetic location: 17q12.
Variant type: Deletion.
Coding change: c.1138del on transcript NM_000458.4 (MANE Select); coding-DNA position 1138, one base deleted (G; older notation c.1138delG).
Protein change: p.Val380fs; shifts the reading frame from valine 380.
Molecular consequence: frameshift variant.
Genome position (GRCh38, 1-based): chr17:37,710,571, C deleted on the plus strand (G on the coding strand, the reverse complement: HNF1B is on the minus strand); the first of 2 consecutive C bases (chr17:37,710,571-37,710,572); deleting either gives the same sequence. VCF-style (leftmost placement, unchanged base first): chr17-37710570-AC-A. GRCh37 (hg19) VCF-style: chr17-36070578-AC-A.
Other names: c.1060del, p.Val354fs (NM_001165923.4, NM_001304286.2); short protein forms V354fs, V380fs.
Identifiers: ClinVar variation 635605 (VCV000635605.1), dbSNP rs2511723637, ClinGen allele CA913190759.